The following is an entry in ClinVar:

NM_000243.3(MEFV):c.1782G>A (p.Gln594=)

Genes: MEFV (MEFV innate immunity regulator, pyrin; minus strand), LOC126862264 (CDK7 strongly-dependent group 2 enhancer GRCh37_chr16:3293322-3294521; plus strand). Cytogenetic location: 16p13.3.
Variant type: single nucleotide variant.
Coding change: c.1782G>A on transcript NM_000243.3 (MANE Select); coding-DNA position 1782, G replaced by A.
Protein change: p.Gln594=; no amino-acid change (glutamine 594 retained).
Molecular consequence: synonymous variant. On other transcripts: missense variant (1).
Genome position (GRCh38, 1-based): chr16:3,243,870, C>T on the plus strand (G>A on the coding strand, the complement: MEFV is on the minus strand). VCF-style: chr16-3243870-C-T. GRCh37 (hg19) VCF-style: chr16-3293870-C-T.
Other names: c.1324G>A, p.Gly442Ser (NM_001198536.2); c.1782G>A (NM_000243.2); short protein forms G442S.
Identifiers: ClinVar variation 1650419 (VCV001650419.11), dbSNP rs144122901, ClinGen allele CA7859926.
Genomic context (GRCh38, chr16:3,243,870, plus strand): 5'-GCACAGGGATCCAGCAGGCCAGGGCCACTTGCCTTGATCTGGGCACTTACCAGCATGTGC[C>T]TGAGCGCCAATCAGCTCCGGAACTACGGAGAAAAATCAGATAGGGAAAAAAATCCTGAGC-3'
Protein context (NP_000234.1, residues 584-604): MFNVPELIGA[Gln594=]AHAVNVILDA

ClinVar aggregate classification (germline): Conflicting classifications of pathogenicity. Review status: criteria provided, conflicting classifications (1 of 4 stars). 3 submissions from 3 submitters: Uncertain significance (1); Likely benign (2). Last evaluated 2025-07-29.

Conditions:
Familial Mediterranean fever (FMF). Also called: POLYSEROSITIS, FAMILIAL PAROXYSMAL; POLYSEROSITIS, RECURRENT; Periodic peritonitis; Benign paroxysmal peritonitis. Identifiers: Orphanet 342, MedGen C0031069, MONDO:0018088, OMIM 249100. Disease mechanism: gain of function.
Inborn genetic diseases. Identifiers: MedGen C0950123, MeSH D030342.

Allele frequency attached by ClinVar (database versions not stated): ESP Exome Variant Server 0.00008; gnomAD 0.00002 and 0.00003; TOPMed 0.00001.
gnomAD v4.1: 10 of 1,613,780 alleles (0.00062%); highest among the groups gnomAD compares: East Asian, 0.0022%; no homozygotes.

Submissions (3):

Labcorp Genetics (formerly Invitae), Labcorp
Classification: Likely benign for Familial Mediterranean fever. Last evaluated: 2025-07-29. Review status: criteria provided, single submitter. Criteria: Invitae Variant Classification Sherloc (09022015). Collection method: clinical testing. Allele origin: germline.

Ambry Genetics
Classification: Likely benign for Inborn genetic diseases. Last evaluated: 2024-10-06. Review status: criteria provided, single submitter. Criteria: Ambry Variant Classification Scheme 2023. Collection method: clinical testing. Allele origin: germline.

ARUP Laboratories, Molecular Genetics and Genomics, ARUP Laboratories
Classification: Uncertain significance. Last evaluated: 2022-04-01. Review status: criteria provided, single submitter. Criteria: ARUP Molecular Germline Variant Investigation Process 2021. Collection method: clinical testing. Allele origin: germline.
Comment: The MEFV c.1324G>A, p.Gly442Ser variant, also known as c.1782G>A, p.Gln594= on the preferred transcript NM_000243.2, to our knowledge, is not reported in the medical literature or gene specific databases. This variant is found in an alternate transcript of MEFV that is expressed in blood; however, association of variants in the NM_001198536.1 transcript with familial Mediterranean fever is unknown as variants in NM_001198536.1 have not been reported in affected individuals. The variant is reported in the non-Finnish European population with an allele frequency of 0.0026% (3/113,512 alleles) in the Genome Aggregation Database. The glycine at codon 442 is moderately conserved and computational analyses predict that this variant is neutral (REVEL:0.045). However, given the lack of clinical and functional data, the significance of the p.Gly442Ser variant is uncertain at this time.